The following is an entry in ClinVar:

NM_001127208.3(TET2):c.3040G>T (p.Ala1014Ser)

Genes: TET2 (tet methylcytosine dioxygenase 2; plus strand), TET2-AS1 (TET2 antisense RNA 1; minus strand). Cytogenetic location: 4q24.
Variant type: single nucleotide variant.
Coding change: c.3040G>T on transcript NM_001127208.3 (MANE Select); coding-DNA position 3040, G replaced by T.
Protein change: p.Ala1014Ser; replaces alanine 1014 with serine.
Molecular consequence: missense variant.
Genome position (GRCh38, 1-based): chr4:105,236,982, G>T. VCF-style: chr4-105236982-G-T. GRCh37 (hg19) VCF-style: chr4-106158139-G-T.
Other names: c.3040G>T, p.Ala1014Ser (NM_017628.4); short protein forms A1014S.
Identifiers: ClinVar variation 4725844 (VCV004725844.1).

ClinVar aggregate classification (germline): Uncertain significance (1 of 4 stars; one submission).

gnomAD v4.1: 4 of 1,614,130 alleles (0.00025%); highest among the groups gnomAD compares: East Asian, 0.0089%; no homozygotes.

Submission:

Labcorp Genetics (formerly Invitae), Labcorp
Classification: Uncertain significance. Last evaluated: 2025-08-21. Review status: criteria provided, single submitter. Criteria: Invitae Variant Classification Sherloc (09022015). Collection method: clinical testing. Allele origin: germline.
Comment: This sequence change replaces alanine, which is neutral and non-polar, with serine, which is neutral and polar, at codon 1014 of the TET2 protein (p.Ala1014Ser). This variant is not present in population databases (gnomAD no frequency). This variant has not been reported in the literature in individuals affected with TET2-related conditions. An algorithm developed to predict the effect of missense changes on protein structure and function outputs the following: PolyPhen-2: "Benign". The serine amino acid residue is found in multiple mammalian species, which suggests that this missense change does not adversely affect protein function. In summary, the available evidence is currently insufficient to determine the role of this variant in disease. Therefore, it has been classified as a Variant of Uncertain Significance.